The following is an entry in ClinVar:

ClinVar aggregate classification (germline): Uncertain significance (1 of 4 stars; one submission).

Submission:

Ambry Genetics
Classification: Uncertain significance. Last evaluated: 2023-07-16. Review status: criteria provided, single submitter. Criteria: Ambry Variant Classification Scheme 2023. Collection method: clinical testing. Allele origin: germline.
Comment: The p.I260F variant (also known as c.778A>T), located in coding exon 4 of the GALNT12 gene, results from an A to T substitution at nucleotide position 778. The isoleucine at codon 260 is replaced by phenylalanine, an amino acid with highly similar properties. This amino acid position is conserved. In addition, this alteration is predicted to be deleterious by in silico analysis. Since supporting evidence is limited at this time, the clinical significance of this alteration remains unclear.

NM_024642.5(GALNT12):c.778A>T (p.Ile260Phe)

Gene: GALNT12 (polypeptide N-acetylgalactosaminyltransferase 12; plus strand). Cytogenetic location: 9q22.33.
Variant type: single nucleotide variant.
Coding change: c.778A>T on transcript NM_024642.5 (MANE Select); coding-DNA position 778, A replaced by T.
Protein change: p.Ile260Phe; replaces isoleucine 260 with phenylalanine.
Molecular consequence: missense variant.
Genome position (GRCh38, 1-based): chr9:98,831,818, A>T. VCF-style: chr9-98831818-A-T. GRCh37 (hg19) VCF-style: chr9-101594100-A-T.
Other names: short protein forms I260F.
Identifiers: ClinVar variation 2586459 (VCV002586459.2), dbSNP rs2490517322, ClinGen allele CA374217985.
Genomic context (GRCh38, chr9:98,831,818, plus strand): 5'-TTGGGTGCTTTCAGGATCCATGAAGAGGAGTCGGCAGTGGTGTGCCCGGTGATTGATGTG[A>T]TCGACTGGAACACCTTCGAATACCTGGGGAACTCCGGGGAGCCCCAGATCGGCGGTTTCG-3'
Protein context (NP_078918.3, residues 250-270): SAVVCPVIDV[Ile260Phe]DWNTFEYLGN